The following is an entry in ClinVar:

ClinVar aggregate classification (germline): Uncertain significance. Review status: criteria provided, multiple submitters, no conflicts (2 of 4 stars). 3 submissions from 3 submitters: Uncertain significance (3). Last evaluated 2022-09-27.

Conditions:
Pili torti-deafness syndrome (BJS). Also called: Bjornstad syndrome; PILI TORTI AND NERVE DEAFNESS. Identifiers: Orphanet 123, MedGen C0266006, MONDO:0009872, OMIM 262000.
GRACILE syndrome (FLNMS). Also called: FELLMAN SYNDROME; FINNISH LETHAL NEONATAL METABOLIC SYNDROME. Identifiers: Orphanet 53693, MedGen C1864002, MONDO:0011308, OMIM 603358.
Mitochondrial complex III deficiency nuclear type 1. Identifiers: Orphanet 254902, MedGen C3541471, MONDO:0007415, OMIM 124000.

Allele frequency attached by ClinVar (database versions not stated): gnomAD 0.00005; ExAC 0.00006; gnomAD exomes 0.00006 and 0.00007; ESP Exome Variant Server 0.00008; TOPMed 0.00008; 1000 Genomes Project 0.00020; 1000 Genomes Project 30x 0.00031.
gnomAD v4.1: 100 of 1,614,128 alleles (0.0062%); highest among the groups gnomAD compares: Middle Eastern, 0.066%; no homozygotes.

Submissions (3):

Labcorp Genetics (formerly Invitae), Labcorp
Classification: Uncertain significance. Last evaluated: 2022-09-27. Review status: criteria provided, single submitter. Criteria: Invitae Variant Classification Sherloc (09022015). Collection method: clinical testing. Allele origin: germline.
Comment: This sequence change replaces phenylalanine, which is neutral and non-polar, with leucine, which is neutral and non-polar, at codon 309 of the BCS1L protein (p.Phe309Leu). This variant is present in population databases (rs141618813, gnomAD 0.02%). This variant has not been reported in the literature in individuals affected with BCS1L-related conditions. ClinVar contains an entry for this variant (Variation ID: 1320451). Advanced modeling of protein sequence and biophysical properties (such as structural, functional, and spatial information, amino acid conservation, physicochemical variation, residue mobility, and thermodynamic stability) has been performed at Invitae for this missense variant, however the output from this modeling did not meet the statistical confidence thresholds required to predict the impact of this variant on BCS1L protein function. In summary, the available evidence is currently insufficient to determine the role of this variant in disease. Therefore, it has been classified as a Variant of Uncertain Significance.

Fulgent Genetics
Classification: Uncertain significance for Mitochondrial complex III deficiency nuclear type 1; Pili torti-deafness syndrome; GRACILE syndrome. Last evaluated: 2022-03-30. Review status: criteria provided, single submitter. Criteria: ACMG Guidelines, 2015. Collection method: clinical testing. Allele origin: unknown.

GeneDx
Classification: Uncertain significance. Last evaluated: 2021-05-03. Review status: criteria provided, single submitter. Criteria: GeneDx Variant Classification Process June 2021. Collection method: clinical testing. Allele origin: germline. Affected: yes.

NM_001079866.2(BCS1L):c.925T>C (p.Phe309Leu)

Gene: BCS1L (BCS1 ubiquinol-cytochrome c reductase complex chaperone; plus strand). Cytogenetic location: 2q35.
Variant type: single nucleotide variant.
Coding change: c.925T>C on transcript NM_001079866.2 (MANE Select); coding-DNA position 925, T replaced by C.
Protein change: p.Phe309Leu; replaces phenylalanine 309 with leucine.
Molecular consequence: missense variant. On other transcripts: non-coding transcript variant (1).
Genome position (GRCh38, 1-based): chr2:218,662,918, T>C. VCF-style: chr2-218662918-T-C. GRCh37 (hg19) VCF-style: chr2-219527641-T-C.
Other names: c.925T>C, p.Phe309Leu (NM_001257342.2, NM_001257343.2, NM_001257344.2 and 10 more transcripts); c.565T>C, p.Phe189Leu (NM_001318836.2, NM_001371451.1); c.424T>C, p.Phe142Leu (NM_001371452.1, NM_001371453.1, NM_001371454.1 and 3 more transcripts); short protein forms F142L, F189L, F309L.
Identifiers: ClinVar variation 1320451 (VCV001320451.5), dbSNP rs141618813, ClinGen allele CA2109795.